The following is an entry in ClinVar:

NM_006005.3(WFS1):c.1522T>C (p.Tyr508His)

Gene: WFS1 (wolframin ER transmembrane glycoprotein; plus strand). Cytogenetic location: 4p16.1.
Variant type: single nucleotide variant.
Coding change: c.1522T>C on transcript NM_006005.3 (MANE Select); coding-DNA position 1522, T replaced by C.
Protein change: p.Tyr508His; replaces tyrosine 508 with histidine.
Molecular consequence: missense variant.
Genome position (GRCh38, 1-based): chr4:6,301,317, T>C. VCF-style: chr4-6301317-T-C. GRCh37 (hg19) VCF-style: chr4-6303044-T-C.
Other names: c.1522T>C, p.Tyr508His (NM_001145853.1); short protein forms Y508H.
Identifiers: ClinVar variation 3637006 (VCV003637006.2).

ClinVar aggregate classification (germline): Uncertain significance (1 of 4 stars; one submission).

gnomAD v4.1: 1 of 1,611,676 alleles (0.000062%); highest among the groups gnomAD compares: Non-Finnish European, 0.000085%; no homozygotes.

Submission:

Labcorp Genetics (formerly Invitae), Labcorp
Classification: Uncertain significance. Last evaluated: 2024-04-01. Review status: criteria provided, single submitter. Criteria: Invitae Variant Classification Sherloc (09022015). Collection method: clinical testing. Allele origin: germline.
Comment: This sequence change replaces tyrosine, which is neutral and polar, with histidine, which is basic and polar, at codon 508 of the WFS1 protein (p.Tyr508His). This variant is present in population databases (no rsID available, gnomAD 0.0009%). This variant has not been reported in the literature in individuals affected with WFS1-related conditions. Advanced modeling of protein sequence and biophysical properties (such as structural, functional, and spatial information, amino acid conservation, physicochemical variation, residue mobility, and thermodynamic stability) performed at Invitae indicates that this missense variant is not expected to disrupt WFS1 protein function with a negative predictive value of 95%. In summary, the available evidence is currently insufficient to determine the role of this variant in disease. Therefore, it has been classified as a Variant of Uncertain Significance.